The following is an entry in ClinVar:

NM_014795.4(ZEB2):c.2846T>C (p.Met949Thr)

Gene: ZEB2 (zinc finger E-box binding homeobox 2; minus strand). Cytogenetic location: 2q22.3.
Variant type: single nucleotide variant.
Coding change: c.2846T>C on transcript NM_014795.4 (MANE Select); coding-DNA position 2846, T replaced by C.
Protein change: p.Met949Thr; replaces methionine 949 with threonine.
Molecular consequence: missense variant.
Genome position (GRCh38, 1-based): chr2:144,398,341, A>G on the plus strand (T>C on the coding strand, the complement: ZEB2 is on the minus strand). VCF-style: chr2-144398341-A-G. GRCh37 (hg19) VCF-style: chr2-145155908-A-G.
Other names: c.2774T>C, p.Met925Thr (NM_001171653.2); short protein forms M949T, M925T.
Identifiers: ClinVar variation 1929623 (VCV001929623.5), dbSNP rs2149876317, ClinGen allele CA348706636.

ClinVar aggregate classification (germline): Uncertain significance (1 of 4 stars; one submission).

Conditions:
Mowat-Wilson syndrome (MOWS). Also called: Classic Mowat-Wilson Syndrome. Identifiers: Orphanet 2152, MedGen C1856113, MONDO:0009341, OMIM 235730.

Allele frequency attached by ClinVar (database versions not stated): gnomAD exomes below 0.00001.
gnomAD v4.1: 4 of 1,613,982 alleles (0.00025%); highest among the groups gnomAD compares: Non-Finnish European, 0.00034%; no homozygotes.

Submission:

Labcorp Genetics (formerly Invitae), Labcorp
Classification: Uncertain significance for Mowat-Wilson syndrome. Last evaluated: 2022-09-21. Review status: criteria provided, single submitter. Criteria: Invitae Variant Classification Sherloc (09022015). Collection method: clinical testing. Allele origin: germline.
Comment: In summary, the available evidence is currently insufficient to determine the role of this variant in disease. Therefore, it has been classified as a Variant of Uncertain Significance. Advanced modeling of protein sequence and biophysical properties (such as structural, functional, and spatial information, amino acid conservation, physicochemical variation, residue mobility, and thermodynamic stability) performed at Invitae indicates that this missense variant is not expected to disrupt ZEB2 protein function. This variant has not been reported in the literature in individuals affected with ZEB2-related conditions. This variant is not present in population databases (gnomAD no frequency). This sequence change replaces methionine, which is neutral and non-polar, with threonine, which is neutral and polar, at codon 949 of the ZEB2 protein (p.Met949Thr).